The following is an entry in ClinVar:

ClinVar aggregate classification (germline): Uncertain significance. Review status: criteria provided, multiple submitters, no conflicts (2 of 4 stars). 2 submissions from 2 submitters: Uncertain significance (2). Last evaluated 2025-02-28.

Conditions:
Granulomatous disease, chronic, autosomal recessive, cytochrome b-positive, type 3. Also called: GRANULOMATOUS DISEASE, CHRONIC, AUTOSOMAL RECESSIVE, 3; CGD, AUTOSOMAL RECESSIVE CYTOCHROME b-POSITIVE, TYPE III; GRANULOMATOUS DISEASE, CHRONIC, DUE TO NCF4 DEFICIENCY; Granulomatous disease, chronic, autosomal recessive, cytochrome b-positive, type III. Identifiers: Orphanet 379, MedGen C3151409, MONDO:0013507, OMIM 613960.

Submissions (2):

Labcorp Genetics (formerly Invitae), Labcorp
Classification: Uncertain significance for Granulomatous disease, chronic, autosomal recessive, cytochrome b-positive, type 3. Last evaluated: 2025-02-28. Review status: criteria provided, single submitter. Criteria: Invitae Variant Classification Sherloc (09022015). Collection method: clinical testing. Allele origin: germline.
Comment: This sequence change replaces serine, which is neutral and polar, with asparagine, which is neutral and polar, at codon 159 of the NCF4 protein (p.Ser159Asn). This variant is not present in population databases (gnomAD no frequency). This variant has not been reported in the literature in individuals affected with NCF4-related conditions. ClinVar contains an entry for this variant (Variation ID: 3403349). An algorithm developed to predict the effect of missense changes on protein structure and function outputs the following: PolyPhen-2: "Benign". The asparagine amino acid residue is found in multiple mammalian species, which suggests that this missense change does not adversely affect protein function. In summary, the available evidence is currently insufficient to determine the role of this variant in disease. Therefore, it has been classified as a Variant of Uncertain Significance.

Ambry Genetics
Classification: Uncertain significance. Last evaluated: 2024-08-19. Review status: criteria provided, single submitter. Criteria: Ambry Variant Classification Scheme 2023. Collection method: clinical testing. Allele origin: germline.

NM_000631.5(NCF4):c.476G>A (p.Ser159Asn)

Gene: NCF4 (neutrophil cytosolic factor 4; plus strand). Cytogenetic location: 22q12.3.
Variant type: single nucleotide variant.
Coding change: c.476G>A on transcript NM_000631.5 (MANE Select); coding-DNA position 476, G replaced by A.
Protein change: p.Ser159Asn; replaces serine 159 with asparagine.
Molecular consequence: missense variant.
Genome position (GRCh38, 1-based): chr22:36,871,657, G>A. VCF-style: chr22-36871657-G-A. GRCh37 (hg19) VCF-style: chr22-37267699-G-A.
Other names: c.476G>A, p.Ser159Asn (NM_013416.4); short protein forms S159N.
Identifiers: ClinVar variation 3403349 (VCV003403349.2).